The following is an entry in ClinVar:

NM_007294.4(BRCA1):c.5561T>G (p.Leu1854Arg)

Gene: BRCA1 (BRCA1 DNA repair associated; minus strand). Cytogenetic location: 17q21.31.
Variant type: single nucleotide variant.
Coding change: c.5561T>G on transcript NM_007294.4 (MANE Select); coding-DNA position 5561, T replaced by G.
Protein change: p.Leu1854Arg; replaces leucine 1854 with arginine.
Molecular consequence: missense variant. On other transcripts: 3 prime UTR variant (1), non-coding transcript variant (1).
Genome position (GRCh38, 1-based): chr17:43,045,709, A>C on the plus strand (T>G on the coding strand, the complement: BRCA1 is on the minus strand). VCF-style: chr17-43045709-A-C. GRCh37 (hg19) VCF-style: chr17-41197726-A-C.
Other names: c.5348T>G, p.Leu1783Arg (NM_001407571.1, NM_001407894.1, NM_001407895.1 and 12 more transcripts); c.5627T>G, p.Leu1876Arg (NM_001407581.1, NM_001407582.1); c.5624T>G, p.Leu1875Arg (NM_001407583.1, NM_001407585.1, NM_001407587.1 and 1 more transcripts); c.5621T>G, p.Leu1874Arg (NM_001407590.1, NM_001407591.1); c.5561T>G, p.Leu1854Arg (NM_001407593.1, NM_001407594.1, NM_001407596.1 and 5 more transcripts); c.5558T>G, p.Leu1853Arg (NM_001407610.1, NM_001407611.1, NM_001407612.1 and 14 more transcripts); c.5555T>G, p.Leu1852Arg (NM_001407627.1, NM_001407628.1, NM_001407629.1 and 13 more transcripts); c.5552T>G, p.Leu1851Arg (NM_001407644.1, NM_001407645.1); and 74 more; short protein forms L750R, L1807R, L1854R, L1875R, L1726R, L1741R, L1805R, L1826R.
Identifiers: ClinVar variation 867670 (VCV000867670.3), dbSNP rs80356996, ClinGen allele CA10590201.

Conditions:
Breast-ovarian cancer, familial, susceptibility to, 1 (BROVCA1). Also called: BRCA1 Hereditary Breast and Ovarian Cancer; OVARIAN CANCER, SUSCEPTIBILITY TO. Identifiers: Orphanet 145, MedGen C2676676, MONDO:0011450, OMIM 604370. Disease mechanism: loss of function.

Submission:

Brotman Baty Institute, University of Washington
No classification provided (evidence only). Condition: Breast-ovarian cancer, familial 1. Review status: no classification provided. Collection method: in vitro. Allele origin: not applicable. Functional consequence: functionally_normal.
ClinVar note: "not provided" was previously submitted as the classification for the variant. However, the classification appeared to be based only on an observation of functional data so it was converted to no classification on 2025-07-30.